The following is an entry in ClinVar:

NM_004304.5(ALK):c.1208C>A (p.Ala403Asp)

Gene: ALK (ALK receptor tyrosine kinase; minus strand). Cytogenetic location: 2p23.2.
Variant type: single nucleotide variant.
Coding change: c.1208C>A on transcript NM_004304.5 (MANE Select); coding-DNA position 1208, C replaced by A.
Protein change: p.Ala403Asp; replaces alanine 403 with aspartic acid.
Molecular consequence: missense variant.
Genome position (GRCh38, 1-based): chr2:29,383,806, G>T on the plus strand (C>A on the coding strand, the complement: ALK is on the minus strand). VCF-style: chr2-29383806-G-T. GRCh37 (hg19) VCF-style: chr2-29606672-G-T.
Other names: short protein forms A403D.
Identifiers: ClinVar variation 404323 (VCV000404323.10), dbSNP rs1060500211, ClinGen allele CA16610925.

ClinVar aggregate classification (germline): Uncertain significance. Review status: criteria provided, multiple submitters, no conflicts (2 of 4 stars). 2 submissions from 2 submitters: Uncertain significance (2). Last evaluated 2026-08-05.

Conditions:
Neuroblastoma, susceptibility to, 3. Also called: ALK-Related Neuroblastic Tumor Susceptibility. Identifiers: Orphanet 635, MedGen C2751681, MONDO:0013083, OMIM 613014.
Hereditary cancer-predisposing syndrome. Also called: Neoplastic Syndromes, Hereditary; Hereditary Cancer Syndrome; Tumor predisposition; Hereditary neoplastic syndrome. Identifiers: Orphanet 140162, MedGen C0027672, MeSH D009386, MONDO:0015356.

Allele frequency attached by ClinVar (database versions not stated): gnomAD exomes below 0.00001.
gnomAD v4.1: 2 of 1,614,142 alleles (0.00012%); highest among the groups gnomAD compares: Non-Finnish European, 0.00017%; no homozygotes.

Submissions (2):

Ambry Genetics
Classification: Uncertain significance for Hereditary cancer-predisposing syndrome. Last evaluated: 2026-08-05. Review status: criteria provided, single submitter. Criteria: Ambry Variant Classification Scheme 2023. Collection method: clinical testing. Allele origin: germline.
Comment: The p.A403D variant (also known as c.1208C>A), located in coding exon 5 of the ALK gene, results from a C to A substitution at nucleotide position 1208. The alanine at codon 403 is replaced by aspartic acid, an amino acid with dissimilar properties. This amino acid position is conserved. In addition, the in silico prediction for this alteration is inconclusive. Based on the available evidence, the clinical significance of this variant remains unclear.

Labcorp Genetics (formerly Invitae), Labcorp
Classification: Uncertain significance for Neuroblastoma, susceptibility to, 3. Last evaluated: 2025-11-17. Review status: criteria provided, single submitter. Criteria: Invitae Variant Classification Sherloc (09022015). Collection method: clinical testing. Allele origin: germline.
Comment: This sequence change replaces alanine, which is neutral and non-polar, with aspartic acid, which is acidic and polar, at codon 403 of the ALK protein (p.Ala403Asp). This variant is not present in population databases (gnomAD no frequency). This variant has not been reported in the literature in individuals affected with ALK-related conditions. ClinVar contains an entry for this variant (Variation ID: 404323). An algorithm developed to predict the effect of missense changes on protein structure and function (PolyPhen-2) suggests that this variant is likely to be disruptive. In summary, the available evidence is currently insufficient to determine the role of this variant in disease. Therefore, it has been classified as a Variant of Uncertain Significance.